The following is an entry in ClinVar:

ClinVar aggregate classification (germline): Likely pathogenic (1 of 4 stars; one submission).

Conditions:
Hearing loss, autosomal recessive 106. Also called: DEAFNESS, AUTOSOMAL RECESSIVE 106. Identifiers: MedGen C4539954, MONDO:0033198, OMIM 617637.

Submission:

Human Genetics Bochum, Ruhr University Bochum
Classification: Likely pathogenic for Hearing loss, autosomal recessive 106. Last evaluated: 2025-07-29. Review status: criteria provided, single submitter. Criteria: ACMG Guidelines, 2015. Collection method: clinical testing. Allele origin: germline. Affected: yes.
Comment: in homozygous state; ACMG criteria used to clasify this variant: PVS1, PM2_SUP

NM_022772.4(EPS8L2):c.1412del (p.Pro471fs)

Gene: EPS8L2 (EPS8 signaling adaptor L2; plus strand). Cytogenetic location: 11p15.5.
Variant type: Deletion.
Coding change: c.1412del on transcript NM_022772.4 (MANE Select); coding-DNA position 1412, one base deleted (C; older notation c.1412delC).
Protein change: p.Pro471fs; shifts the reading frame from proline 471.
Molecular consequence: frameshift variant.
Genome position (GRCh38, 1-based): chr11:723,311, C deleted; the last of 7 consecutive C bases (chr11:723,305-723,311); deleting any one gives the same sequence. VCF-style (leftmost placement, unchanged base first): chr11-723304-AC-A. GRCh37 (hg19) VCF-style: chr11-723304-AC-A.
Other names: c.1412del, p.Pro471fs (NM_001441192.1, NM_001441193.1); c.875del, p.Pro292fs (NM_001441194.1); short protein forms P292fs, P471fs.
Identifiers: ClinVar variation 4687936 (VCV004687936.1).